The following is an entry in ClinVar:

NM_032601.4(MCEE):c.178A>C (p.Lys60Gln)

Gene: MCEE (methylmalonyl-CoA epimerase; minus strand). Cytogenetic location: 2p13.3.
Variant type: single nucleotide variant.
Coding change: c.178A>C on transcript NM_032601.4 (MANE Select); coding-DNA position 178, A replaced by C.
Protein change: p.Lys60Gln; replaces lysine 60 with glutamine.
Molecular consequence: missense variant.
Genome position (GRCh38, 1-based): chr2:71,124,406, T>G on the plus strand (A>C on the coding strand, the complement: MCEE is on the minus strand). VCF-style: chr2-71124406-T-G. GRCh37 (hg19) VCF-style: chr2-71351536-T-G.
Other names: p.K60Q:AAG>CAG; short protein forms K60Q.
Identifiers: ClinVar variation 203812 (VCV000203812.42), dbSNP rs147401037, ClinGen allele CA312700.

ClinVar aggregate classification (germline): Conflicting classifications of pathogenicity. Review status: criteria provided, conflicting classifications (1 of 4 stars). 6 submissions from 6 submitters: Uncertain significance (1); Likely benign (4). 1 of the submissions does not count toward it. Last evaluated 2026-08-01.

Conditions:
Methylmalonic acidemia due to methylmalonyl-CoA epimerase deficiency. Also called: Methylmalonyl-CoA Epimerase Deficiency; METHYLMALONYL-CoA RACEMASE DEFICIENCY; METHYLMALONIC ACIDURIA III. Identifiers: Orphanet 308425, MedGen C1855100, MONDO:0009615, OMIM 251120.

Allele frequency attached by ClinVar (database versions not stated): gnomAD exomes 0.00182 and 0.00085; 1000 Genomes Project 30x 0.00468; gnomAD 0.00003 and 0.00052; ExAC 0.00214; 1000 Genomes Project 0.00419; ESP Exome Variant Server 0.00015; TOPMed 0.00008.
gnomAD v4.1: 1,326 of 1,614,158 alleles (0.082%); highest among the groups gnomAD compares: South Asian, 1.4%; 23 homozygotes.

Submissions (6):

CeGaT Center for Human Genetics Tuebingen
Classification: Likely benign. Last evaluated: 2026-08-01. Review status: criteria provided, single submitter. Criteria: CeGaT Center For Human Genetics Tuebingen Variant Classification Criteria Version 2. Collection method: clinical testing. Allele origin: germline. Affected: yes. Observed: 3 variant alleles.
Comment: MCEE: BP4, BS2

Labcorp Genetics (formerly Invitae), Labcorp
Classification: Likely benign for Methylmalonic acidemia due to methylmalonyl-CoA epimerase deficiency. Last evaluated: 2026-02-04. Review status: criteria provided, single submitter. Criteria: Invitae Variant Classification Sherloc (09022015). Collection method: clinical testing. Allele origin: germline.

ARUP Laboratories, Molecular Genetics and Genomics, ARUP Laboratories
Classification: Likely benign. Last evaluated: 2018-02-06. Review status: criteria provided, single submitter. Criteria: ARUP Molecular Germline Variant Investigation Process. Collection method: clinical testing. Allele origin: germline.
Comment: The c.178A>C; p.Lys60Gln variant (rs147401037) was reported in the homozygous state in one patient with methylmalonic aciduria, ataxia, deteriorated motor function, dysarthria, and mild spastic paraparesis (Gradinger 2007). However, the patientâ€™s protein activity level was normal, as measured by incorporation of propionate into cellular macromolecules (Gradinger 2007). This variant is listed in the genome Aggregation Database (gnomAD) with a South Asian population frequency of 1.5% (identified on 454 out of 30,778 chromosomes, including 10 homozygotes), and is found in the 1000 Genomes Project BEB (Bengali from Bangladesh) population with a frequency of 5.2% (9 out of 172 chromosomes). The lysine at position 60 is highly conserved, considering 13 species, and computational analyses of the effects of the p.Lys60Gln variant on protein structure and function do not predict a deleterious effect (SIFT: tolerated, PolyPhen-2: benign). Based on the available evidence, the p.Lys60Gln variant is likely to be benign.

GeneDx
Classification: Uncertain significance. Last evaluated: 2017-03-08. Review status: criteria provided, single submitter. Criteria: GeneDx Variant Classification (06012015). Collection method: clinical testing. Allele origin: germline. Affected: yes.
Comment: The K60Q variant in the MCEE gene has been reported previously as homozygous in a patient with methylmalonic aciduria (Gradinger et al., 2007). This variant is a non-conservative amino acid substitution of a positively charged Lysine with a neutral, polar Glutamine at a residue that is conserved in mammals. In silico analysis was inconsistent with regard to the effect this variant may have on the protein structure/function. We interpret K60Q as a variant of uncertain significance.

Broad Center for Mendelian Genomics, Broad Institute of MIT and Harvard
Classification: Likely benign for Methylmalonic acidemia due to methylmalonyl-CoA epimerase deficiency. Review status: criteria provided, single submitter. Criteria: ACMG Guidelines, 2015. Collection method: research. Allele origin: germline. Inheritance: Autosomal recessive inheritance. Affected: yes.
Comment: The homozygous p.Lys60Gln variant in MCEE has been identified in an individual with methylmalonic aciduria (PMID: 17823972), but has also been identified in >1% of South Asian chromosomes and 8 homozygotes by ExAC. In summary, although additional studies are required to fully establish its clinical significance, this variant meets criteria to be classified as likely benign for autosomal recessive methylmalonic aciduria.

GeneReviews
No classification provided. Condition: Methylmalonic acidemia due to methylmalonyl-CoA epimerase deficiency. Review status: no classification provided. Collection method: literature only. Allele origin: germline. Affected: yes. Not counted in ClinVar's aggregate classification.

Literature cited by the submitters: PubMed 17823972 (cited by Broad Center for Mendelian Genomics, Broad Institute of MIT and Harvard); NCBI Bookshelf NBK1231 (cited by GeneReviews).